The following is an entry in ClinVar:

ClinVar aggregate classification (germline): Conflicting classifications of pathogenicity. Review status: criteria provided, conflicting classifications (1 of 4 stars). 2 submissions from 2 submitters: Uncertain significance (1); Likely benign (1). Last evaluated 2026-08-08.

Conditions:
CSF3R-related disorder. Also called: CSF3R-related condition.

gnomAD v4.1: 20 of 1,614,106 alleles (0.0012%); highest among the groups gnomAD compares: South Asian, 0.0088%; no homozygotes.

Submissions (2):

PreventionGenetics, part of Exact Sciences
Classification: Uncertain significance for CSF3R-related condition. Last evaluated: 2026-08-08. Review status: criteria provided, single submitter. Criteria: ACMG Guidelines, 2015. Collection method: clinical testing. Allele origin: germline.
Comment: The CSF3R c.1705G>A variant is predicted to result in the amino acid substitution p.Ala569Thr. To our knowledge, this variant has not been reported in the literature. This variant is reported in 0.0065% of alleles in individuals of South Asian descent in gnomAD. At this time, the clinical significance of this variant is uncertain due to the absence of conclusive functional and genetic evidence.

Blueprint Genetics
Classification: Likely benign. Last evaluated: 2021-04-19. Review status: criteria provided, single submitter. Criteria: ACMG Guidelines, 2015. Collection method: clinical testing. Allele origin: germline.

NM_000760.4(CSF3R):c.1705G>A (p.Ala569Thr)

Gene: CSF3R (colony stimulating factor 3 receptor; minus strand). Cytogenetic location: 1p34.3.
Variant type: single nucleotide variant.
Coding change: c.1705G>A on transcript NM_000760.4 (MANE Select); coding-DNA position 1705, G replaced by A.
Protein change: p.Ala569Thr; replaces alanine 569 with threonine.
Molecular consequence: missense variant.
Genome position (GRCh38, 1-based): chr1:36,468,093, C>T on the plus strand (G>A on the coding strand, the complement: CSF3R is on the minus strand). VCF-style: chr1-36468093-C-T. GRCh37 (hg19) VCF-style: chr1-36933694-C-T.
Other names: c.1705G>A (NM_000760.3); c.1705G>A, p.Ala569Thr (NM_156039.3, NM_172313.3); short protein forms A569T.
Identifiers: ClinVar variation 4966256 (VCV004966256.2).
Genomic context (GRCh38, chr1:36,468,093, plus strand): 5'-CCAGGCCTTCTGGGGCTGTGGGGGAACTGAGGATAGACTCACAGAAGGACTGGTTCTGAG[C>T]GTTGGTCCAGAAGATGGTGTAGTGGGTAAGGGGGCTCTTCCCCAGCTCAGGGGGCTCAGG-3'
Protein context (NP_000751.1, residues 559-579): LTHYTIFWTN[Ala569Thr]QNQSFSAILN